The following is an entry in ClinVar:

NM_007059.4(KPTN):c.781G>A (p.Ala261Thr)

Gene: KPTN (kaptin, actin binding protein; minus strand). Cytogenetic location: 19q13.32.
Variant type: single nucleotide variant.
Coding change: c.781G>A on transcript NM_007059.4 (MANE Select); coding-DNA position 781, G replaced by A.
Protein change: p.Ala261Thr; replaces alanine 261 with threonine.
Molecular consequence: missense variant. On other transcripts: non-coding transcript variant (1).
Genome position (GRCh38, 1-based): chr19:47,479,869, C>T on the plus strand (G>A on the coding strand, the complement: KPTN is on the minus strand). VCF-style: chr19-47479869-C-T. GRCh37 (hg19) VCF-style: chr19-47983126-C-T.
Other names: c.781G>A (NM_007059.2); c.613G>A, p.Ala205Thr (NM_001291296.2); short protein forms A261T, A205T.
Identifiers: ClinVar variation 2200153 (VCV002200153.4), dbSNP rs139299861, ClinGen allele CA9540321.
Genomic context (GRCh38, chr19:47,479,869, plus strand): 5'-TTGCCTCTTCCCTCCCACCCGCTCTCTCCCCATCCCCTCAAACCCAGAGCTCACCCTTGG[C>T]GGCCGAGAGGCTGAACACAATCACTCGGGAGATGGGACCGTCCTGCAGGACCGACCACAT-3'
Protein context (NP_008990.2, residues 251-271): SRVIVFSLSA[Ala261Thr]KETKDRPLQD

ClinVar aggregate classification (germline): Uncertain significance. Review status: criteria provided, multiple submitters, no conflicts (2 of 4 stars). 2 submissions from 2 submitters: Uncertain significance (2). Last evaluated 2024-03-19.

Conditions:
Inborn genetic diseases. Identifiers: MedGen C0950123, MeSH D030342.
Macrocephaly-developmental delay syndrome (MRT41). Also called: INTELLECTUAL DEVELOPMENTAL DISORDER, AUTOSOMAL RECESSIVE 41. Identifiers: Orphanet 397612, MedGen C3810225, MONDO:0014289, OMIM 615637.

Allele frequency attached by ClinVar (database versions not stated): TOPMed 0.00002; gnomAD 0.00003; ExAC 0.00004; 1000 Genomes Project 30x 0.00031; 1000 Genomes Project 0.00040.

Submissions (2):

Ambry Genetics
Classification: Uncertain significance for Inborn genetic diseases. Last evaluated: 2024-03-19. Review status: criteria provided, single submitter. Criteria: Ambry Variant Classification Scheme 2023. Collection method: clinical testing. Allele origin: germline.

Labcorp Genetics (formerly Invitae), Labcorp
Classification: Uncertain significance for Macrocephaly-developmental delay syndrome. Last evaluated: 2024-02-23. Review status: criteria provided, single submitter. Criteria: Invitae Variant Classification Sherloc (09022015). Collection method: clinical testing. Allele origin: germline.
Comment: This sequence change replaces alanine, which is neutral and non-polar, with threonine, which is neutral and polar, at codon 261 of the KPTN protein (p.Ala261Thr). The frequency data for this variant in the population databases is considered unreliable, as metrics indicate poor data quality at this position in the gnomAD database. This variant has not been reported in the literature in individuals affected with KPTN-related conditions. ClinVar contains an entry for this variant (Variation ID: 2200153). Advanced modeling of protein sequence and biophysical properties (such as structural, functional, and spatial information, amino acid conservation, physicochemical variation, residue mobility, and thermodynamic stability) performed at Invitae indicates that this missense variant is not expected to disrupt KPTN protein function with a negative predictive value of 80%. In summary, the available evidence is currently insufficient to determine the role of this variant in disease. Therefore, it has been classified as a Variant of Uncertain Significance.